The following is an entry in ClinVar:

NM_006922.4(SCN3A):c.5551G>A (p.Asp1851Asn)

Gene: SCN3A (sodium voltage-gated channel alpha subunit 3; minus strand). Cytogenetic location: 2q24.3.
Variant type: single nucleotide variant.
Coding change: c.5551G>A on transcript NM_006922.4 (MANE Select); coding-DNA position 5551, G replaced by A.
Protein change: p.Asp1851Asn; replaces aspartic acid 1851 with asparagine.
Molecular consequence: missense variant.
Genome position (GRCh38, 1-based): chr2:165,090,602, C>T on the plus strand (G>A on the coding strand, the complement: SCN3A is on the minus strand). VCF-style: chr2-165090602-C-T. GRCh37 (hg19) VCF-style: chr2-165947112-C-T.
Other names: c.5404G>A, p.Asp1802Asn (NM_001081676.2, NM_001081677.2); c.5551G>A (NM_006922.3); short protein forms D1802N, D1851N.
Identifiers: ClinVar variation 2106941 (VCV002106941.5), dbSNP rs2468038215, ClinGen allele CA349011388.

ClinVar aggregate classification (germline): Uncertain significance. Review status: criteria provided, multiple submitters, no conflicts (2 of 4 stars). 2 submissions from 2 submitters: Uncertain significance (2). Last evaluated 2022-10-08.

Submissions (2):

Labcorp Genetics (formerly Invitae), Labcorp
Classification: Uncertain significance. Last evaluated: 2022-10-08. Review status: criteria provided, single submitter. Criteria: Invitae Variant Classification Sherloc (09022015). Collection method: clinical testing. Allele origin: germline.
Comment: This variant is not present in population databases (gnomAD no frequency). This sequence change replaces aspartic acid, which is acidic and polar, with asparagine, which is neutral and polar, at codon 1851 of the SCN3A protein (p.Asp1851Asn). This variant has not been reported in the literature in individuals affected with SCN3A-related conditions. In summary, the available evidence is currently insufficient to determine the role of this variant in disease. Therefore, it has been classified as a Variant of Uncertain Significance. Advanced modeling of protein sequence and biophysical properties (such as structural, functional, and spatial information, amino acid conservation, physicochemical variation, residue mobility, and thermodynamic stability) performed at Invitae indicates that this missense variant is expected to disrupt SCN3A protein function.

GeneDx
Classification: Uncertain significance. Last evaluated: 2022-08-11. Review status: criteria provided, single submitter. Criteria: GeneDx Variant Classification Process June 2021. Collection method: clinical testing. Allele origin: germline. Affected: yes.
Comment: Not observed at significant frequency in large population cohorts (gnomAD); In silico analysis supports that this missense variant has a deleterious effect on protein structure/function; Has not been previously published as pathogenic or benign to our knowledge